The following is an entry in ClinVar:

NM_001365951.3(KIF1B):c.5267A>G (p.Glu1756Gly)

Gene: KIF1B (kinesin family member 1B; plus strand). Cytogenetic location: 1p36.22.
Variant type: single nucleotide variant.
Coding change: c.5267A>G on transcript NM_001365951.3 (MANE Select); coding-DNA position 5267, A replaced by G.
Protein change: p.Glu1756Gly; replaces glutamic acid 1756 with glycine.
Molecular consequence: missense variant.
Genome position (GRCh38, 1-based): chr1:10,375,024, A>G. VCF-style: chr1-10375024-A-G. GRCh37 (hg19) VCF-style: chr1-10435082-A-G.
Other names: c.5267A>G, p.Glu1756Gly (NM_001365952.1); c.5129A>G, p.Glu1710Gly (NM_015074.3); short protein forms E1710G, E1756G.
Identifiers: ClinVar variation 3288481 (VCV003288481.1).

ClinVar aggregate classification (germline): Uncertain significance (1 of 4 stars; one submission).

Submission:

Ambry Genetics
Classification: Uncertain significance. Last evaluated: 2024-06-11. Review status: criteria provided, single submitter. Criteria: Ambry Variant Classification Scheme 2023. Collection method: clinical testing. Allele origin: germline.
Comment: The p.E1710G variant (also known as c.5129A>G), located in coding exon 44 of the KIF1B gene, results from an A to G substitution at nucleotide position 5129. The glutamic acid at codon 1710 is replaced by glycine, an amino acid with similar properties. This amino acid position is conserved. In addition, this alteration is predicted to be deleterious by in silico analysis. Based on the available evidence, the clinical significance of this variant remains unclear.